The following is an entry in ClinVar:

ClinVar aggregate classification (germline): Likely pathogenic. Review status: criteria provided, multiple submitters, no conflicts (2 of 4 stars). 2 submissions from 2 submitters: Likely pathogenic (2). Last evaluated 2025-09-04.

Conditions:
Alport syndrome. Also called: Hemorrhagic familial nephritis; Hemorrhagic hereditary nephritis; Congenital hereditary hematuria. Identifiers: Orphanet 63, MedGen C1567741, MONDO:0018965.
Autosomal recessive Alport syndrome (ATS2). Also called: COL4A4 Alport Syndrome and Thin Basement Membrane Nephropathy; ALPORT SYNDROME 2, AUTOSOMAL RECESSIVE; Alport syndrome type 2; COL4A3-Related Nephropathy. Identifiers: Orphanet 63, Orphanet 88919, MedGen C4746745, MONDO:0008762, OMIM 203780.

Submissions (2):

Natera, Inc.
Classification: Likely pathogenic for Alport syndrome. Last evaluated: 2025-09-04. Review status: criteria provided, single submitter. Criteria: Natera Variant Classification Schema (03/2026). Collection method: clinical testing. Allele origin: germline.
Comment: The c.2608G>A variant in COL4A4 is a missense variant predicted to cause substitution of glycine to serine at amino acid 870. This variant is rare in the general population with a frequency below the threshold expected for the associated phenotype(s). This variant is located in a functionally critical region of the protein. A different variant at the same position has been determined to be Pathogenic or Likely Pathogenic. Computational prediction algorithms indicate this variant is likely to affect gene or protein function. Given the available evidence, this variant is classified as Likely Pathogenic.

MVZ Medizinische Genetik Mainz
Classification: Likely pathogenic for Autosomal recessive Alport syndrome. Last evaluated: 2023-09-19. Review status: criteria provided, single submitter. Criteria: UK Practice Guidelines For Variant Classification V4 01 2020. Collection method: clinical testing. Allele origin: germline. Inheritance: Autosomal dominant inheritance. Affected: yes. Observed: 1 variant allele.
Comment: ACMG Criteria: PM1_STR,PM5,PM2_SUP,PP3,PP4

NM_000092.5(COL4A4):c.2608G>A (p.Gly870Ser)

Gene: COL4A4 (collagen type IV alpha 4 chain; minus strand). Cytogenetic location: 2q36.3.
Variant type: single nucleotide variant.
Coding change: c.2608G>A on transcript NM_000092.5 (MANE Select); coding-DNA position 2608, G replaced by A.
Protein change: p.Gly870Ser; replaces glycine 870 with serine.
Molecular consequence: missense variant.
Genome position (GRCh38, 1-based): chr2:227,056,053, C>T on the plus strand (G>A on the coding strand, the complement: COL4A4 is on the minus strand). VCF-style: chr2-227056053-C-T. GRCh37 (hg19) VCF-style: chr2-227920769-C-T.
Other names: short protein forms G870S.
Identifiers: ClinVar variation 3236206 (VCV003236206.2), dbSNP rs2150235414, ClinGen allele CA350841019.